The following is an entry in ClinVar:

NM_001105570.2(NUDT19):c.16C>A (p.Arg6=)

Genes: NUDT19 (nudix hydrolase 19; plus strand), NUDT19-DT (NUDT19 divergent transcript; minus strand), LOC130064162 (ATAC-STARR-seq lymphoblastoid silent region 10486; plus strand). Cytogenetic location: 19q13.11.
Variant type: single nucleotide variant.
Coding change: c.16C>A on transcript NM_001105570.2 (MANE Select); coding-DNA position 16, C replaced by A.
Protein change: p.Arg6=; no amino-acid change (arginine 6 retained).
Molecular consequence: synonymous variant. On other transcripts: non-coding transcript variant (1).
Genome position (GRCh38, 1-based): chr19:32,691,976, C>A. VCF-style: chr19-32691976-C-A. GRCh37 (hg19) VCF-style: chr19-33182882-C-A.
Identifiers: ClinVar variation 2649685 (VCV002649685.24), dbSNP rs374445377, ClinGen allele CA9357606.
Genomic context (GRCh38, chr19:32,691,976, plus strand): 5'-TGGAGCTCAGGCCGCGCCAGAATCGGATCCGGGAAGCTGCGCGCCATGAGCAGCTCCCTG[C>A]GGCCGGGCCCCAGCCGCTGGCGGCGGGCGGCCAGCATCGTCCTGGCGGCTGGCTGGTCGC-3'
Protein context (NP_001099040.1, residues 1-16): MSSSL[Arg6=]PGPSRWRRAA

ClinVar aggregate classification (germline): Likely benign (1 of 4 stars; one submission).

Allele frequency attached by ClinVar (database versions not stated): 1000 Genomes Project 30x 0.00468; 1000 Genomes Project 0.00479.
gnomAD v4.1: 1,072 of 1,231,562 alleles (0.087%); highest among the groups gnomAD compares: African/African-American, 0.76%; 3 homozygotes.

Submission:

CeGaT Center for Human Genetics Tuebingen
Classification: Likely benign. Last evaluated: 2022-06-01. Review status: criteria provided, single submitter. Criteria: CeGaT Center For Human Genetics Tuebingen Variant Classification Criteria Version 2. Collection method: clinical testing. Allele origin: germline. Affected: yes. Observed: 1 variant allele.
Comment: NUDT19: BP4, BP7